The following is an entry in ClinVar:

ClinVar aggregate classification (germline): Uncertain significance. Review status: criteria provided, multiple submitters, no conflicts (2 of 4 stars). 2 submissions from 2 submitters: Uncertain significance (2). Last evaluated 2024-11-07.

Conditions:
Familial adenomatous polyposis 1 (FAP1). Also called: FAMILIAL ADENOMATOUS POLYPOSIS 1, ATTENUATED; POLYPOSIS, ADENOMATOUS INTESTINAL. Identifiers: MedGen C2713442, MONDO:0021056, OMIM 175100. Disease mechanism: loss of function.
Hereditary cancer-predisposing syndrome. Also called: Tumor predisposition; Hereditary Cancer Syndrome; Hereditary neoplastic syndrome; Neoplastic Syndromes, Hereditary. Identifiers: Orphanet 140162, MedGen C0027672, MeSH D009386, MONDO:0015356.

Allele frequency attached by ClinVar (database versions not stated): TOPMed below 0.00001.

Submissions (2):

Ambry Genetics
Classification: Uncertain significance for Hereditary cancer-predisposing syndrome. Last evaluated: 2024-11-07. Review status: criteria provided, single submitter. Criteria: Ambry Variant Classification Scheme 2023. Collection method: clinical testing. Allele origin: germline.
Comment: The p.G2707C variant (also known as c.8119G>T), located in coding exon 15 of the APC gene, results from a G to T substitution at nucleotide position 8119. The glycine at codon 2707 is replaced by cysteine, an amino acid with highly dissimilar properties. This amino acid position is well conserved in available vertebrate species. In addition, in silico predictors for this gene do not accurately predict pathogenicity. Missense alterations in APC are not a common cause of disease (Spier I et al. Genet Med. 2024 Feb;26(2):100992). Based on the available evidence, the clinical significance of this variant remains unclear.

Labcorp Genetics (formerly Invitae), Labcorp
Classification: Uncertain significance for Familial adenomatous polyposis 1. Last evaluated: 2022-11-01. Review status: criteria provided, single submitter. Criteria: Invitae Variant Classification Sherloc (09022015). Collection method: clinical testing. Allele origin: germline.
Comment: ClinVar contains an entry for this variant (Variation ID: 537462). In summary, the available evidence is currently insufficient to determine the role of this variant in disease. Therefore, it has been classified as a Variant of Uncertain Significance. Advanced modeling of protein sequence and biophysical properties (such as structural, functional, and spatial information, amino acid conservation, physicochemical variation, residue mobility, and thermodynamic stability) performed at Invitae indicates that this missense variant is not expected to disrupt APC protein function. This variant has not been reported in the literature in individuals affected with APC-related conditions. This variant is not present in population databases (gnomAD no frequency). This sequence change replaces glycine, which is neutral and non-polar, with cysteine, which is neutral and slightly polar, at codon 2707 of the APC protein (p.Gly2707Cys).

NM_000038.6(APC):c.8119G>T (p.Gly2707Cys)

Gene: APC (APC regulator of Wnt signaling pathway; plus strand). Cytogenetic location: 5q22.2.
Variant type: single nucleotide variant.
Coding change: c.8119G>T on transcript NM_000038.6 (MANE Select); coding-DNA position 8119, G replaced by T.
Protein change: p.Gly2707Cys; replaces glycine 2707 with cysteine.
Molecular consequence: missense variant.
Genome position (GRCh38, 1-based): chr5:112,843,713, G>T. VCF-style: chr5-112843713-G-T. GRCh37 (hg19) VCF-style: chr5-112179410-G-T.
Other names: c.8119G>T, p.Gly2707Cys (NM_001127510.3, NM_001354895.2); c.8065G>T, p.Gly2689Cys (NM_001127511.3); c.8173G>T, p.Gly2725Cys (NM_001354896.2); c.8149G>T, p.Gly2717Cys (NM_001354897.2); c.8044G>T, p.Gly2682Cys (NM_001354898.2); c.8035G>T, p.Gly2679Cys (NM_001354899.2); c.7996G>T, p.Gly2666Cys (NM_001354900.2); c.7942G>T, p.Gly2648Cys (NM_001354901.2); and 5 more; short protein forms G2707C, G2689C, G2666C, G2725C, G2424C, G2547C, G2581C, G2606C.
Identifiers: ClinVar variation 537462 (VCV000537462.13), dbSNP rs1554088906, ClinGen allele CA16038968.